The following is an entry in ClinVar:

ClinVar aggregate classification (germline): Uncertain significance (1 of 4 stars; one submission).

Submission:

CeGaT Center for Human Genetics Tuebingen
Classification: Uncertain significance. Last evaluated: 2022-11-01. Review status: criteria provided, single submitter. Criteria: CeGaT Center For Human Genetics Tuebingen Variant Classification Criteria Version 2. Collection method: clinical testing. Allele origin: germline. Affected: yes. Observed: 1 variant allele.
Comment: HECTD3: PM2

NM_024602.6(HECTD3):c.1162dup (p.Thr388fs)

Gene: HECTD3 (HECT domain E3 ubiquitin protein ligase 3; minus strand). Cytogenetic location: 1p34.1.
Variant type: Duplication.
Coding change: c.1162dup on transcript NM_024602.6 (MANE Select); coding-DNA position 1162, one base duplicated (A; older notation c.1162dupA).
Protein change: p.Thr388fs; shifts the reading frame from threonine 388.
Molecular consequence: frameshift variant.
Genome position (GRCh38, 1-based): chr1:45,008,612, T duplicated on the plus strand (A on the coding strand, the reverse complement: HECTD3 is on the minus strand); the first of 2 consecutive T bases (chr1:45,008,612-45,008,613); duplicating either gives the same sequence. VCF-style (leftmost placement, unchanged base first): chr1-45008611-G-GT. GRCh37 (hg19) VCF-style: chr1-45474283-G-GT.
Other names: short protein forms T388fs.
Identifiers: ClinVar variation 2638784 (VCV002638784.24), dbSNP rs2522886421, ClinGen allele CA2695198007.